The following is an entry in ClinVar:

ClinVar aggregate classification (germline): Uncertain significance (1 of 4 stars; one submission).

Submission:

GeneDx
Classification: Uncertain significance. Last evaluated: 2024-11-04. Review status: criteria provided, single submitter. Criteria: GeneDx Variant Classification Process June 2021. Collection method: clinical testing. Allele origin: germline. Affected: yes.
Comment: Not observed at significant frequency in large population cohorts (gnomAD); In silico analysis indicates that this missense variant does not alter protein structure/function; Has not been previously published as pathogenic or benign to our knowledge

NM_005909.5(MAP1B):c.3253A>G (p.Ile1085Val)

Gene: MAP1B (microtubule associated protein 1B; plus strand). Cytogenetic location: 5q13.2.
Variant type: single nucleotide variant.
Coding change: c.3253A>G on transcript NM_005909.5 (MANE Select); coding-DNA position 3253, A replaced by G.
Protein change: p.Ile1085Val; replaces isoleucine 1085 with valine.
Molecular consequence: missense variant.
Genome position (GRCh38, 1-based): chr5:72,196,608, A>G. VCF-style: chr5-72196608-A-G. GRCh37 (hg19) VCF-style: chr5-71492435-A-G.
Other names: c.2875A>G, p.Ile959Val (NM_001324255.2); short protein forms I1085V, I959V.
Identifiers: ClinVar variation 3897093 (VCV003897093.1).